The following is an entry in ClinVar:

ClinVar aggregate classification (germline): Conflicting classifications of pathogenicity. Review status: criteria provided, conflicting classifications (1 of 4 stars). 3 submissions from 3 submitters: Pathogenic (1); Likely pathogenic (1); Uncertain significance (1). Last evaluated 2025-07-31.

Conditions:
Infantile neuroaxonal dystrophy (NBIA2A). Also called: Infantile neuroaxonal dystrophy 1; SEITELBERGER DISEASE; NEURODEGENERATION WITH BRAIN IRON ACCUMULATION 2A. Identifiers: Orphanet 35069, MedGen C0270724, MONDO:0024457, OMIM 256600.
Iron accumulation in brain. Identifiers: MedGen C4021076, HP:0012675.

Allele frequency attached by ClinVar (database versions not stated): gnomAD 0.00001; gnomAD exomes below 0.00001.
gnomAD v4.1: 3 of 1,613,896 alleles (0.00019%); highest among the groups gnomAD compares: African/African-American, 0.004%; no homozygotes.

Submissions (3):

Women's Health and Genetics/Laboratory Corporation of America, LabCorp
Classification: Uncertain significance. Last evaluated: 2025-07-31. Review status: criteria provided, single submitter. Criteria: LabCorp Variant Classification Summary - May 2015. Collection method: clinical testing. Allele origin: germline.
Comment: Variant summary: PLA2G6 c.1754C>T (p.Thr585Ile) results in a non-conservative amino acid change located in the Patatin-like phospholipase domain (IPR002641) of the encoded protein sequence. Algorithms developed to predict the effect of missense changes on protein structure and function all suggest that this variant is likely to be disruptive. The variant was absent in 251170 control chromosomes. c.1754C>T has been observed in individual(s) affected with Infantile Neuroaxonal Dystrophy (example: Morgan_2006, internal data). These data indicate that the variant may be associated with disease. To our knowledge, no experimental evidence demonstrating an impact on protein function has been reported. The following publications have been ascertained in the context of this evaluation (PMID: 18799783, 16783378). ClinVar contains an entry for this variant (Variation ID: 159747). Based on the evidence outlined above, the variant was classified as VUS-possibly pathogenic.

Labcorp Genetics (formerly Invitae), Labcorp
Classification: Likely pathogenic for Infantile neuroaxonal dystrophy. Last evaluated: 2024-04-12. Review status: criteria provided, single submitter. Criteria: Invitae Variant Classification Sherloc (09022015). Collection method: clinical testing. Allele origin: germline.
Comment: This sequence change replaces threonine, which is neutral and polar, with isoleucine, which is neutral and non-polar, at codon 585 of the PLA2G6 protein (p.Thr585Ile). This variant is not present in population databases (gnomAD no frequency). This missense change has been observed in individual(s) with clinical feature of PLA2G6-related conditions (PMID: 16783378; Invitae). In at least one individual the data is consistent with being in trans (on the opposite chromosome) from a pathogenic variant. ClinVar contains an entry for this variant (Variation ID: 159747). Advanced modeling of protein sequence and biophysical properties (such as structural, functional, and spatial information, amino acid conservation, physicochemical variation, residue mobility, and thermodynamic stability) performed at Invitae indicates that this missense variant is expected to disrupt PLA2G6 protein function with a positive predictive value of 80%. In summary, the currently available evidence indicates that the variant is pathogenic, but additional data are needed to prove that conclusively. Therefore, this variant has been classified as Likely Pathogenic.

Genetic Services Laboratory, University of Chicago
Classification: Pathogenic for iron accumulation in brain. Last evaluated: 2013-02-08. Review status: criteria provided, single submitter. Criteria: ACMG Guidelines, 2007. Collection method: clinical testing. Allele origin: germline. Inheritance: Autosomal recessive inheritance. Affected: yes.

Literature cited by the submitters: PubMed 16783378 (cited by Women's Health and Genetics/Laboratory Corporation of America, LabCorp and Labcorp Genetics (formerly Invitae), Labcorp); PubMed 18799783 (cited by Women's Health and Genetics/Laboratory Corporation of America, LabCorp).

NM_003560.4(PLA2G6):c.1754C>T (p.Thr585Ile)

Gene: PLA2G6 (phospholipase A2 group VI; minus strand). Cytogenetic location: 22q13.1.
Variant type: single nucleotide variant.
Coding change: c.1754C>T on transcript NM_003560.4 (MANE Select); coding-DNA position 1754, C replaced by T.
Protein change: p.Thr585Ile; replaces threonine 585 with isoleucine.
Molecular consequence: missense variant.
Genome position (GRCh38, 1-based): chr22:38,116,200, G>A on the plus strand (C>T on the coding strand, the complement: PLA2G6 is on the minus strand). VCF-style: chr22-38116200-G-A. GRCh37 (hg19) VCF-style: chr22-38512207-G-A.
Other names: c.1592C>T, p.Thr531Ile (NM_001004426.3, NM_001199562.3, NM_001349865.2 and 1 more transcripts); c.1754C>T, p.Thr585Ile (NM_001349864.2); c.1220C>T, p.Thr407Ile (NM_001349867.2); c.1076C>T, p.Thr359Ile (NM_001349868.2); c.1058C>T, p.Thr353Ile (NM_001349869.2); short protein forms T585I, T407I, T531I, T359I, T353I.
Identifiers: ClinVar variation 159747 (VCV000159747.10), dbSNP rs587784338, ClinGen allele CA173231.